The following is an entry in ClinVar:

ClinVar aggregate classification (germline): Benign/Likely benign. Review status: criteria provided, multiple submitters, no conflicts (2 of 4 stars). 3 submissions from 3 submitters: Benign (1); Likely benign (2). Last evaluated 2025-04-18.

Conditions:
Hereditary cancer-predisposing syndrome. Also called: Hereditary neoplastic syndrome; Neoplastic Syndromes, Hereditary; Tumor predisposition; Hereditary Cancer Syndrome. Identifiers: Orphanet 140162, MedGen C0027672, MeSH D009386, MONDO:0015356.
Familial adenomatous polyposis 1 (FAP1). Also called: FAMILIAL ADENOMATOUS POLYPOSIS 1, ATTENUATED; POLYPOSIS, ADENOMATOUS INTESTINAL. Identifiers: MedGen C2713442, MONDO:0021056, OMIM 175100. Disease mechanism: loss of function.

Submissions (3):

Labcorp Genetics (formerly Invitae), Labcorp
Classification: Likely benign for Familial adenomatous polyposis 1. Last evaluated: 2025-04-18. Review status: criteria provided, single submitter. Criteria: Invitae Variant Classification Sherloc (09022015). Collection method: clinical testing. Allele origin: germline.

Myriad Genetics, Inc.
Classification: Benign for Familial adenomatous polyposis 1. Last evaluated: 2024-04-16. Review status: criteria provided, single submitter. Criteria: Myriad Autosomal Dominant, Autosomal Recessive and X-Linked Classification Criteria (2023). Collection method: clinical testing. Allele origin: unknown.
Comment: This variant is considered benign. This variant is a silent/synonymous amino acid change and it is not expected to impact splicing.

Ambry Genetics
Classification: Likely benign for Hereditary cancer-predisposing syndrome. Last evaluated: 2021-08-05. Review status: criteria provided, single submitter. Criteria: Ambry Variant Classification Scheme 2023. Collection method: clinical testing. Allele origin: germline.

NM_000038.6(APC):c.8475C>T (p.Ser2825=)

Gene: APC (APC regulator of Wnt signaling pathway; plus strand). Cytogenetic location: 5q22.2.
Variant type: single nucleotide variant.
Coding change: c.8475C>T on transcript NM_000038.6 (MANE Select); coding-DNA position 8475, C replaced by T.
Protein change: p.Ser2825=; no amino-acid change (serine 2825 retained).
Molecular consequence: synonymous variant.
Genome position (GRCh38, 1-based): chr5:112,844,069, C>T. VCF-style: chr5-112844069-C-T. GRCh37 (hg19) VCF-style: chr5-112179766-C-T.
Other names: c.8475C>T, p.Ser2825= (NM_001127510.3, NM_001354895.2); c.8421C>T, p.Ser2807= (NM_001127511.3); c.8529C>T, p.Ser2843= (NM_001354896.2); c.8505C>T, p.Ser2835= (NM_001354897.2); c.8400C>T, p.Ser2800= (NM_001354898.2); c.8391C>T, p.Ser2797= (NM_001354899.2); c.8352C>T, p.Ser2784= (NM_001354900.2); c.8298C>T, p.Ser2766= (NM_001354901.2); and 5 more.
Identifiers: ClinVar variation 1147965 (VCV001147965.13), dbSNP rs2150006013, ClinGen allele CA446211435.
Genomic context (GRCh38, chr5:112,844,069, plus strand): 5'-CCCAACTCCAGTGAATAACAACACAAAGAAGCGAGATTCCAAAACTGACAGCACAGAATC[C>T]AGTGGAACCCAAAGTCCTAAGCGCCATTCTGGGTCTTACCTTGTGACATCTGTTTAAAAG-3'
Protein context (NP_000029.2, residues 2815-2835): KRDSKTDSTE[Ser2825=]SGTQSPKRHS